The following is an entry in ClinVar:

ClinVar aggregate classification (germline): Uncertain significance (1 of 4 stars; one submission).

Allele frequency attached by ClinVar (database versions not stated): TOPMed below 0.00001.

Submission:

GeneDx
Classification: Uncertain significance. Last evaluated: 2022-07-05. Review status: criteria provided, single submitter. Criteria: GeneDx Variant Classification Process June 2021. Collection method: clinical testing. Allele origin: germline. Affected: yes.
Comment: Not observed at significant frequency in large population cohorts (gnomAD); In silico analysis supports that this missense variant has a deleterious effect on protein structure/function; Has not been previously published as pathogenic or benign to our knowledge

NM_006618.5(KDM5B):c.2737C>G (p.Arg913Gly)

Gene: KDM5B (lysine demethylase 5B; minus strand). Cytogenetic location: 1q32.1.
Variant type: single nucleotide variant.
Coding change: c.2737C>G on transcript NM_006618.5 (MANE Select); coding-DNA position 2737, C replaced by G.
Protein change: p.Arg913Gly; replaces arginine 913 with glycine.
Molecular consequence: missense variant.
Genome position (GRCh38, 1-based): chr1:202,741,575, G>C on the plus strand (C>G on the coding strand, the complement: KDM5B is on the minus strand). VCF-style: chr1-202741575-G-C. GRCh37 (hg19) VCF-style: chr1-202710703-G-C.
Other names: c.2845C>G, p.Arg949Gly (NM_001314042.2); c.2602C>G, p.Arg868Gly (NM_001347591.2); c.2722C>G, p.Arg908Gly (NM_001399817.1); short protein forms R913G, R949G, R908G, R868G.
Identifiers: ClinVar variation 1810526 (VCV001810526.1), dbSNP rs1370386391, ClinGen allele CA344265044.